The following is an entry in ClinVar:

NM_006206.6(PDGFRA):c.770G>A (p.Gly257Asp)

Gene: PDGFRA (platelet derived growth factor receptor alpha; plus strand). Cytogenetic location: 4q12.
Variant type: single nucleotide variant.
Coding change: c.770G>A on transcript NM_006206.6 (MANE Select); coding-DNA position 770, G replaced by A.
Protein change: p.Gly257Asp; replaces glycine 257 with aspartic acid.
Molecular consequence: missense variant.
Genome position (GRCh38, 1-based): chr4:54,267,299, G>A. VCF-style: chr4-54267299-G-A. GRCh37 (hg19) VCF-style: chr4-55133466-G-A.
Other names: c.770G>A, p.Gly257Asp (NM_001347827.2, NM_001347829.2); c.845G>A, p.Gly282Asp (NM_001347828.2); c.809G>A, p.Gly270Asp (NM_001347830.2); short protein forms G257D, G270D, G282D.
Identifiers: ClinVar variation 663707 (VCV000663707.9), dbSNP rs1577714420, ClinGen allele CA356891073.

ClinVar aggregate classification (germline): Uncertain significance (1 of 4 stars; one submission).

Conditions:
Gastrointestinal stromal tumor. Also called: Gastrointestinal stromal tumor, somatic; Gastrointestinal stroma tumor. Identifiers: Orphanet 44890, MedGen C0238198, MeSH D046152, MONDO:0011719, OMIM 606764, HP:0100723.

Submission:

Labcorp Genetics (formerly Invitae), Labcorp
Classification: Uncertain significance for Gastrointestinal stromal tumor. Last evaluated: 2025-10-07. Review status: criteria provided, single submitter. Criteria: Invitae Variant Classification Sherloc (09022015). Collection method: clinical testing. Allele origin: germline.
Comment: This sequence change replaces glycine, which is neutral and non-polar, with aspartic acid, which is acidic and polar, at codon 257 of the PDGFRA protein (p.Gly257Asp). This variant is not present in population databases (gnomAD no frequency). This variant has not been reported in the literature in individuals affected with PDGFRA-related conditions. ClinVar contains an entry for this variant (Variation ID: 663707). An algorithm developed to predict the effect of missense changes on protein structure and function (PolyPhen-2) suggests that this variant is likely to be disruptive. In summary, the available evidence is currently insufficient to determine the role of this variant in disease. Therefore, it has been classified as a Variant of Uncertain Significance.